The following is an entry in ClinVar:

ClinVar aggregate classification (germline): Uncertain significance (1 of 4 stars; one submission).

Conditions:
Welander distal myopathy (WDM). Also called: Distal myopathy, Swedish type; Gower's muscular dystrophy; MUSCULAR DYSTROPHY, DISTAL, LATE-ONSET, AUTOSOMAL DOMINANT; Welander distal myopathy, Swedish type. Identifiers: Orphanet 603, MedGen C0221054, MONDO:0011466, OMIM 604454.

gnomAD v4.1: 2 of 1,608,404 alleles (0.00012%); highest among the groups gnomAD compares: African/African-American, 0.0027%; no homozygotes.

Submission:

Labcorp Genetics (formerly Invitae), Labcorp
Classification: Uncertain significance for Welander distal myopathy. Last evaluated: 2024-10-29. Review status: criteria provided, single submitter. Criteria: Invitae Variant Classification Sherloc (09022015). Collection method: clinical testing. Allele origin: germline.
Comment: This sequence change falls in intron 9 of the TIA1 gene. It does not directly change the encoded amino acid sequence of the TIA1 protein. It affects a nucleotide within the consensus splice site. This variant is not present in population databases (gnomAD no frequency). This variant has not been reported in the literature in individuals affected with TIA1-related conditions. Variants that disrupt the consensus splice site are a relatively common cause of aberrant splicing (PMID: 17576681, 9536098). Algorithms developed to predict the effect of sequence changes on RNA splicing suggest that this variant is not likely to affect RNA splicing. In summary, the available evidence is currently insufficient to determine the role of this variant in disease. Therefore, it has been classified as a Variant of Uncertain Significance.

Literature cited by the submitters: PubMed 17576681; PubMed 9536098.

NM_022173.4(TIA1):c.679+6G>A

Gene: TIA1 (TIA1 cytotoxic granule associated RNA binding protein; minus strand). Cytogenetic location: 2p13.3.
Variant type: single nucleotide variant.
Coding change: c.679+6G>A on transcript NM_022173.4 (MANE Select); 6 bases into the intron after coding-DNA position 679, G replaced by A.
Molecular consequence: intron variant.
Genome position (GRCh38, 1-based): chr2:70,216,398, C>T on the plus strand (G>A on the coding strand, the complement: TIA1 is on the minus strand). VCF-style: chr2-70216398-C-T. GRCh37 (hg19) VCF-style: chr2-70443530-C-T.
Other names: c.535+6G>A (NM_001351513.1); c.568+6G>A (NM_001351511.1); c.541+6G>A (NM_001351512.1); c.451+6G>A (NM_001351514.2); c.259+6G>A (NM_001351524.2, NM_001351517.2, NM_001351525.2); c.646+6G>A (NM_001351510.2, NM_022037.4); c.376+6G>A (NM_001351515.2); c.679+6G>A (NM_001351508.2, NM_001351516.2); and 1 more.
Identifiers: ClinVar variation 3666597 (VCV003666597.2).
Genomic context (GRCh38, chr2:70,216,398, plus strand): 5'-AAAAATCCTACAAATATTAAGCTTTGCACTTTAAAAATTAATGCCACACAGGGAAGGCTC[C>T]CATACCTGTTAGCCCAGAAGTAACACCTCCACAGTATACAGTACAGTTGCTTGGACTAGA-3'